The following is an entry in ClinVar:

NM_001374736.1(DST):c.22530G>C (p.Gln7510His)

Gene: DST (dystonin; minus strand). Cytogenetic location: 6p12.1.
Variant type: single nucleotide variant.
Coding change: c.22530G>C on transcript NM_001374736.1 (MANE Select); coding-DNA position 22530, G replaced by C.
Protein change: p.Gln7510His; replaces glutamine 7510 with histidine.
Molecular consequence: missense variant.
Genome position (GRCh38, 1-based): chr6:56,469,904, C>G on the plus strand (G>C on the coding strand, the complement: DST is on the minus strand). VCF-style: chr6-56469904-C-G. GRCh37 (hg19) VCF-style: chr6-56334702-C-G.
Other names: c.16173G>C, p.Gln5391His (NM_001144769.5); c.15759G>C, p.Gln5253His (NM_001144770.2); c.22530G>C, p.Gln7510His (NM_001374722.1); c.21570G>C, p.Gln7190His (NM_001374729.1); c.15312G>C, p.Gln5104His (NM_001374730.1); c.22557G>C, p.Gln7519His (NM_001374734.1); c.14661G>C, p.Gln4887His (NM_015548.5); c.15639G>C, p.Gln5213His (NM_183380.4); short protein forms Q7510H, Q4887H, Q5213H, Q5253H, Q7190H, Q7519H, Q5104H, Q5391H.
Identifiers: ClinVar variation 967717 (VCV000967717.8), dbSNP rs750236520, ClinGen allele CA3866246.

ClinVar aggregate classification (germline): Uncertain significance. Review status: criteria provided, multiple submitters, no conflicts (2 of 4 stars). 2 submissions from 2 submitters: Uncertain significance (2). Last evaluated 2023-12-22.

Conditions:
Inborn genetic diseases. Identifiers: MedGen C0950123, MeSH D030342.
Hereditary sensory and autonomic neuropathy type 6. Also called: Neuropathy, hereditary sensory and autonomic, type VI; HSAN VI. Identifiers: Orphanet 314381, MedGen C3539003, MONDO:0013839, OMIM 614653.
Epidermolysis bullosa simplex 3, localized or generalized intermediate, with BP230 deficiency (EBS3). Also called: Epidermolysis bullosa simplex, autosomal recessive 2; Epidermolysis bullosa simplex due to BP230 deficiency. Identifiers: Orphanet 412181, MedGen C3809470, MONDO:0014180, OMIM 615425.

Allele frequency attached by ClinVar (database versions not stated): ExAC 0.00001; gnomAD 0.00001; TOPMed 0.00001; gnomAD exomes 0.00002 and 0.00003.
gnomAD v4.1: 45 of 1,613,236 alleles (0.0028%); highest among the groups gnomAD compares: Non-Finnish European, 0.0037%; no homozygotes.

Submissions (2):

Labcorp Genetics (formerly Invitae), Labcorp
Classification: Uncertain significance for Epidermolysis bullosa simplex 3, localized or generalized intermediate, with BP230 deficiency; Hereditary sensory and autonomic neuropathy type 6. Last evaluated: 2023-12-22. Review status: criteria provided, single submitter. Criteria: Invitae Variant Classification Sherloc (09022015). Collection method: clinical testing. Allele origin: germline.
Comment: The DST gene has multiple clinically relevant transcripts. This variant occurs in alternate transcript NM_015548.4, and corresponds to NM_001723.5:c.*145613G>C in the primary transcript. This sequence change replaces glutamine, which is neutral and polar, with histidine, which is basic and polar, at codon 4887 of the DST protein (p.Gln4887His). This variant is present in population databases (rs750236520, gnomAD 0.004%). This variant has not been reported in the literature in individuals affected with DST-related conditions. Experimental studies and prediction algorithms are not available or were not evaluated, and the functional significance of this variant is currently unknown. In summary, the available evidence is currently insufficient to determine the role of this variant in disease. Therefore, it has been classified as a Variant of Uncertain Significance.

Ambry Genetics
Classification: Uncertain significance for Inborn genetic diseases. Last evaluated: 2020-06-16. Review status: criteria provided, single submitter. Criteria: Ambry Variant Classification Scheme 2023. Collection method: clinical testing. Allele origin: germline.
Comment: The p.Q5391H variant (also known as c.16173G>C), located in coding exon 91 of the DST gene, results from a G to C substitution at nucleotide position 16173. The glutamine at codon 5391 is replaced by histidine, an amino acid with highly similar properties. This amino acid position is highly conserved in available vertebrate species. In addition, this alteration is predicted to be deleterious by in silico analysis. Since supporting evidence is limited at this time, the clinical significance of this alteration remains unclear.